The following is an entry in ClinVar:

ClinVar aggregate classification (germline): Uncertain significance. Review status: criteria provided, multiple submitters, no conflicts (2 of 4 stars). 2 submissions from 2 submitters: Uncertain significance (2). Last evaluated 2025-11-22.

Conditions:
Deficiency of adenosine deaminase 2. Also called: Adenosine Deaminase 2 Deficiency; VASCULITIS, AUTOINFLAMMATION, IMMUNODEFICIENCY, AND HEMATOLOGIC DEFECTS SYNDROME; Polyarteritis nodosa, childhoood-onset. Identifiers: Orphanet 404553, MedGen C3887654, MONDO:0014306, OMIM 615688, MONDO:0100317.
Sneddon syndrome (SNDNS). Also called: LIVEDO RETICULARIS AND CEREBROVASCULAR ACCIDENTS; Idiopathic livedo reticularis with systemic involvement. Identifiers: Orphanet 820, MedGen C0282492, MONDO:0008436, OMIM 182410.

Submissions (2):

Mayo Clinic Laboratories, Mayo Clinic
Classification: Uncertain significance. Last evaluated: 2025-11-22. Review status: criteria provided, single submitter. Criteria: ACMG Guidelines, 2015. Collection method: clinical testing. Allele origin: germline. Observed: 1 variant allele.
Comment: PP3_moderate, PM2_supporting

Fulgent Genetics
Classification: Uncertain significance for Sneddon syndrome; Deficiency of adenosine deaminase 2. Last evaluated: 2024-02-15. Review status: criteria provided, single submitter. Criteria: ACMG Guidelines, 2015. Collection method: clinical testing. Allele origin: germline.

NM_001282225.2(ADA2):c.313A>G (p.Met105Val)

Gene: ADA2 (adenosine deaminase 2; minus strand). Cytogenetic location: 22q11.1.
Variant type: single nucleotide variant.
Coding change: c.313A>G on transcript NM_001282225.2 (MANE Select); coding-DNA position 313, A replaced by G.
Protein change: p.Met105Val; replaces methionine 105 with valine.
Molecular consequence: missense variant. On other transcripts: intron variant (1).
Genome position (GRCh38, 1-based): chr22:17,209,365, T>C on the plus strand (A>G on the coding strand, the complement: ADA2 is on the minus strand). VCF-style: chr22-17209365-T-C. GRCh37 (hg19) VCF-style: chr22-17690255-T-C.
Other names: p.Met105Val; c.313A>G, p.Met105Val (NM_001282226.2); c.187A>G, p.Met63Val (NM_001282227.2, NM_001282228.2); c.-38-2075A>G (NM_001282229.2); short protein forms M105V, M63V.
Identifiers: ClinVar variation 3587775 (VCV003587775.2).